The following is an entry in ClinVar:

NM_014694.4(ADAMTSL2):c.324C>T (p.Asp108=)

Gene: ADAMTSL2 (ADAMTS like 2; plus strand). Cytogenetic location: 9q34.2.
Variant type: single nucleotide variant.
Coding change: c.324C>T on transcript NM_014694.4 (MANE Select); coding-DNA position 324, C replaced by T.
Protein change: p.Asp108=; no amino-acid change (aspartic acid 108 retained).
Molecular consequence: synonymous variant.
Genome position (GRCh38, 1-based): chr9:133,539,785, C>T. VCF-style: chr9-133539785-C-T. GRCh37 (hg19) VCF-style: chr9-136404907-C-T.
Other names: c.324C>T (NM_014694.3); c.324C>T, p.Asp108= (NM_001145320.2).
Identifiers: ClinVar variation 4905351 (VCV004905351.2).

ClinVar aggregate classification (germline): Likely benign. Review status: criteria provided, multiple submitters, no conflicts (2 of 4 stars). 2 submissions from 2 submitters: Likely benign (2). Last evaluated 2026-08-21.

Conditions:
ADAMTSL2-related disorder. Also called: ADAMTSL2-related condition.

gnomAD v4.1: 257 of 1,547,358 alleles (0.017%); highest among the groups gnomAD compares: East Asian, 0.034%; no homozygotes.

Submissions (2):

PreventionGenetics, part of Exact Sciences
Classification: Likely benign for ADAMTSL2-related condition. Last evaluated: 2026-08-21. Review status: criteria provided, single submitter. Criteria: ACMG Guidelines, 2015. Collection method: clinical testing. Allele origin: germline.
Comment: This variant is classified as likely benign based on ACMG/AMP sequence variant interpretation guidelines (Richards et al. 2015 PMID: 25741868, with internal and published modifications).

Blueprint Genetics
Classification: Likely benign. Last evaluated: 2024-10-30. Review status: criteria provided, single submitter. Criteria: ACMG Guidelines, 2015. Collection method: clinical testing. Allele origin: germline.